The following is an entry in ClinVar:

NM_000535.7(PMS2):c.1032G>C (p.Leu344Phe)

Gene: PMS2 (PMS1 homolog 2, mismatch repair system component; minus strand). Cytogenetic location: 7p22.1.
Variant type: single nucleotide variant.
Coding change: c.1032G>C on transcript NM_000535.7 (MANE Select); coding-DNA position 1032, G replaced by C.
Protein change: p.Leu344Phe; replaces leucine 344 with phenylalanine.
Molecular consequence: missense variant. On other transcripts: non-coding transcript variant (1), intron variant (2).
Genome position (GRCh38, 1-based): chr7:5,989,912, C>G on the plus strand (G>C on the coding strand, the complement: PMS2 is on the minus strand). VCF-style: chr7-5989912-C-G. GRCh37 (hg19) VCF-style: chr7-6029543-C-G.
Other names: c.627G>C, p.Leu209Phe (NM_001322003.2, NM_001322004.2, NM_001322005.2 and 1 more transcripts); c.714G>C, p.Leu238Phe (NM_001322007.2, NM_001322008.2); c.99G>C, p.Leu33Phe (NM_001322011.2, NM_001322012.2); c.459G>C, p.Leu153Phe (NM_001322013.2); c.1032G>C, p.Leu344Phe (NM_001322014.2); c.723G>C, p.Leu241Phe (NM_001322015.2); c.583+2061G>C (NM_001322010.2); c.988+2061G>C (NM_001322006.2); short protein forms L344F, L153F, L241F, L209F, L238F, L33F.
Identifiers: ClinVar variation 525754 (VCV000525754.37), dbSNP rs1554298791, ClinGen allele CA366742947.

ClinVar aggregate classification (germline): Uncertain significance. Review status: criteria provided, multiple submitters, no conflicts (2 of 4 stars). 4 submissions from 4 submitters: Uncertain significance (4). Last evaluated 2024-08-11.

Conditions:
Hereditary cancer-predisposing syndrome. Also called: Neoplastic Syndromes, Hereditary; Hereditary Cancer Syndrome; Tumor predisposition; Hereditary neoplastic syndrome. Identifiers: Orphanet 140162, MedGen C0027672, MeSH D009386, MONDO:0015356.
Hereditary nonpolyposis colorectal neoplasms. Identifiers: MedGen C0009405, MeSH D003123.

Allele frequency attached by ClinVar (database versions not stated): gnomAD exomes below 0.00001.
gnomAD v4.1: 1 of 1,611,788 alleles (0.000062%); highest among the groups gnomAD compares: Non-Finnish European, 0.000085%; no homozygotes.

Submissions (4):

Ambry Genetics
Classification: Uncertain significance for Hereditary cancer-predisposing syndrome. Last evaluated: 2024-08-11. Review status: criteria provided, single submitter. Criteria: Ambry Variant Classification Scheme 2023. Collection method: clinical testing. Allele origin: germline.
Comment: The p.L344F variant (also known as c.1032G>C), located in coding exon 10 of the PMS2 gene, results from a G to C substitution at nucleotide position 1032. The leucine at codon 344 is replaced by phenylalanine, an amino acid with highly similar properties. This amino acid position is not well conserved in available vertebrate species, and phenylalanine is the reference amino acid in other vertebrate species. In addition, this alteration is predicted to be tolerated by in silico analysis. Since supporting evidence is limited at this time, the clinical significance of this alteration remains unclear.

CeGaT Center for Human Genetics Tuebingen
Classification: Uncertain significance. Last evaluated: 2024-03-01. Review status: criteria provided, single submitter. Criteria: CeGaT Center For Human Genetics Tuebingen Variant Classification Criteria Version 2. Collection method: clinical testing. Allele origin: germline. Affected: yes. Observed: 1 variant allele.
Comment: PMS2: PM2

Labcorp Genetics (formerly Invitae), Labcorp
Classification: Uncertain significance for Hereditary nonpolyposis colorectal neoplasms. Last evaluated: 2024-02-15. Review status: criteria provided, single submitter. Criteria: Invitae Variant Classification Sherloc (09022015). Collection method: clinical testing. Allele origin: germline.
Comment: This sequence change replaces leucine, which is neutral and non-polar, with phenylalanine, which is neutral and non-polar, at codon 344 of the PMS2 protein (p.Leu344Phe). This variant is not present in population databases (gnomAD no frequency). This variant has not been reported in the literature in individuals affected with PMS2-related conditions. ClinVar contains an entry for this variant (Variation ID: 525754). Advanced modeling of protein sequence and biophysical properties (such as structural, functional, and spatial information, amino acid conservation, physicochemical variation, residue mobility, and thermodynamic stability) performed at Invitae indicates that this missense variant is not expected to disrupt PMS2 protein function with a negative predictive value of 80%. In summary, the available evidence is currently insufficient to determine the role of this variant in disease. Therefore, it has been classified as a Variant of Uncertain Significance.

Color Diagnostics, LLC DBA Color Health
Classification: Uncertain significance for Hereditary cancer-predisposing syndrome. Last evaluated: 2021-02-16. Review status: criteria provided, single submitter. Criteria: ACMG Guidelines, 2015. Collection method: clinical testing. Allele origin: germline.
Comment: This missense variant replaces leucine with phenylalanine at codon 344 of the PMS2 protein. Computational prediction suggests that this variant may not impact protein structure and function (internally defined REVEL score threshold <= 0.5, PMID: 27666373). To our knowledge, functional studies have not been reported for this variant. This variant has not been reported in individuals affected with hereditary cancer in the literature. This variant has not been identified in the general population by the Genome Aggregation Database (gnomAD). The available evidence is insufficient to determine the role of this variant in disease conclusively. Therefore, this variant is classified as a Variant of Uncertain Significance.